The following is an entry in ClinVar:

NM_001909.5(CTSD):c.-40C>T

Genes: CTSD (cathepsin D; minus strand), LOC130005119 (ATAC-STARR-seq lymphoblastoid silent region 3058; plus strand). Cytogenetic location: 11p15.5.
Variant type: single nucleotide variant.
Coding change: c.-40C>T on transcript NM_001909.5 (MANE Select); 40 bases upstream of the start codon, C replaced by T.
Molecular consequence: 5 prime UTR variant.
Genome position (GRCh38, 1-based): chr11:1,763,899, G>A on the plus strand (C>T on the coding strand, the complement: CTSD is on the minus strand). VCF-style: chr11-1763899-G-A. GRCh37 (hg19) VCF-style: chr11-1785129-G-A.
Identifiers: ClinVar variation 392814 (VCV000392814.2), dbSNP rs780212490, ClinGen allele CA5814336.

ClinVar aggregate classification (germline): Likely benign. Review status: criteria provided, multiple submitters, no conflicts (2 of 4 stars). 2 submissions from 2 submitters: Likely benign (2). Last evaluated 2025-05-14.

Conditions:
CTSD-related disorder. Also called: CTSD-related condition.

Allele frequency attached by ClinVar (database versions not stated): TOPMed below 0.00001; ExAC 0.00009.
gnomAD v4.1: 46 of 1,503,444 alleles (0.0031%); highest among the groups gnomAD compares: Non-Finnish European, 0.0038%; no homozygotes.

Submissions (2):

PreventionGenetics, part of Exact Sciences
Classification: Likely benign for CTSD-related condition. Last evaluated: 2025-05-14. Review status: criteria provided, single submitter. Criteria: ACMG Guidelines, 2015. Collection method: clinical testing. Allele origin: germline.
Comment: This variant is classified as likely benign based on ACMG/AMP sequence variant interpretation guidelines (Richards et al. 2015 PMID: 25741868, with internal and published modifications).

GeneDx
Classification: Likely benign. Last evaluated: 2017-01-16. Review status: criteria provided, single submitter. Criteria: GeneDx Variant Classification (06012015). Collection method: clinical testing. Allele origin: germline. Affected: yes.
Comment: This variant is considered likely benign or benign based on one or more of the following criteria: it is a conservative change, it occurs at a poorly conserved position in the protein, it is predicted to be benign by multiple in silico algorithms, and/or has population frequency not consistent with disease.